The following is an entry in ClinVar:

NM_012254.3(SLC27A5):c.512C>G (p.Ala171Gly)

Gene: SLC27A5 (solute carrier family 27 member 5; minus strand). Cytogenetic location: 19q13.43.
Variant type: single nucleotide variant.
Coding change: c.512C>G on transcript NM_012254.3 (MANE Select); coding-DNA position 512, C replaced by G.
Protein change: p.Ala171Gly; replaces alanine 171 with glycine.
Molecular consequence: missense variant. On other transcripts: intron variant (1).
Genome position (GRCh38, 1-based): chr19:58,511,444, G>C on the plus strand (C>G on the coding strand, the complement: SLC27A5 is on the minus strand). VCF-style: chr19-58511444-G-C. GRCh37 (hg19) VCF-style: chr19-59022811-G-C.
Other names: c.512C>G (NM_012254.2); c.436+76C>G (NM_001321196.2); short protein forms A171G.
Identifiers: ClinVar variation 2720542 (VCV002720542.5), dbSNP rs763151418, ClinGen allele CA9718271.

ClinVar aggregate classification (germline): Uncertain significance. Review status: criteria provided, multiple submitters, no conflicts (2 of 4 stars). 2 submissions from 2 submitters: Uncertain significance (2). Last evaluated 2025-11-19.

Allele frequency attached by ClinVar (database versions not stated): ExAC 0.00008; gnomAD 0.00009; TOPMed 0.00014.
gnomAD v4.1: 36 of 1,599,952 alleles (0.0023%); highest among the groups gnomAD compares: African/African-American, 0.033%; no homozygotes.

Submissions (2):

Ambry Genetics
Classification: Uncertain significance. Last evaluated: 2025-11-19. Review status: criteria provided, single submitter. Criteria: Ambry Variant Classification Scheme 2023. Collection method: clinical testing. Allele origin: germline.

Labcorp Genetics (formerly Invitae), Labcorp
Classification: Uncertain significance. Last evaluated: 2023-10-17. Review status: criteria provided, single submitter. Criteria: Invitae Variant Classification Sherloc (09022015). Collection method: clinical testing. Allele origin: germline.
Comment: This sequence change replaces alanine, which is neutral and non-polar, with glycine, which is neutral and non-polar, at codon 171 of the SLC27A5 protein (p.Ala171Gly). This variant is present in population databases (rs763151418, gnomAD 0.04%). This variant has not been reported in the literature in individuals affected with SLC27A5-related conditions. Algorithms developed to predict the effect of missense changes on protein structure and function output the following: SIFT: "Not Available"; PolyPhen-2: "Benign"; Align-GVGD: "Not Available". The glycine amino acid residue is found in multiple mammalian species, which suggests that this missense change does not adversely affect protein function. In summary, the available evidence is currently insufficient to determine the role of this variant in disease. Therefore, it has been classified as a Variant of Uncertain Significance.